The following is an entry in ClinVar:

NM_001010892.3(RSPH4A):c.1068G>A (p.Trp356Ter)

Gene: RSPH4A (radial spoke head component 4A; plus strand). Cytogenetic location: 6q22.1.
Variant type: single nucleotide variant.
Coding change: c.1068G>A on transcript NM_001010892.3 (MANE Select); coding-DNA position 1068, G replaced by A.
Protein change: p.Trp356Ter; replaces tryptophan 356 with a stop codon.
Molecular consequence: nonsense.
Genome position (GRCh38, 1-based): chr6:116,627,775, G>A. VCF-style: chr6-116627775-G-A. GRCh37 (hg19) VCF-style: chr6-116948938-G-A.
Other names: c.1068G>A, p.Trp356Ter (NM_001161664.2); short protein forms W356*.
Identifiers: ClinVar variation 409228 (VCV000409228.10), dbSNP rs371374918, ClinGen allele CA16612098.

ClinVar aggregate classification (germline): Pathogenic (1 of 4 stars; one submission).

Conditions:
Primary ciliary dyskinesia. Also called: Ciliary dyskinesia. Identifiers: Orphanet 244, MedGen C0008780, MONDO:0016575, HP:0012265.

Allele frequency attached by ClinVar (database versions not stated): TOPMed 0.00002; ESP Exome Variant Server 0.00008.
gnomAD v4.1: 15 of 1,614,152 alleles (0.00093%); highest among the groups gnomAD compares: Non-Finnish European, 0.0011%; no homozygotes.

Submission:

Labcorp Genetics (formerly Invitae), Labcorp
Classification: Pathogenic for Primary ciliary dyskinesia. Last evaluated: 2024-04-27. Review status: criteria provided, single submitter. Criteria: Invitae Variant Classification Sherloc (09022015). Collection method: clinical testing. Allele origin: germline.
Comment: This sequence change creates a premature translational stop signal (p.Trp356*) in the RSPH4A gene. It is expected to result in an absent or disrupted protein product. Loss-of-function variants in RSPH4A are known to be pathogenic (PMID: 19200523). This variant is present in population databases (rs371374918, gnomAD 0.0009%). This premature translational stop signal has been observed in individual(s) with primary ciliary dyskinesia (PMID: 22448264). In at least one individual the data is consistent with being in trans (on the opposite chromosome) from a pathogenic variant. ClinVar contains an entry for this variant (Variation ID: 409228). For these reasons, this variant has been classified as Pathogenic.

Literature cited by the submitters: PubMed 19200523; PubMed 22448264.